The following is an entry in ClinVar:

ClinVar aggregate classification (germline): Uncertain significance. Review status: criteria provided, multiple submitters, no conflicts (2 of 4 stars). 2 submissions from 2 submitters: Uncertain significance (2). Last evaluated 2025-12-01.

Conditions:
Ullrich congenital muscular dystrophy 2 (UCMD2). Identifiers: Orphanet 75840, MedGen C4225314, MONDO:0014654, OMIM 616470.
Bethlem myopathy 2 (BTHLM2). Identifiers: Orphanet 536516, Orphanet 610, MedGen C4225313, MONDO:0034022, OMIM 616471.

Allele frequency attached by ClinVar (database versions not stated): gnomAD 0.00001; ESP Exome Variant Server 0.00009.
gnomAD v4.1: 4 of 1,585,736 alleles (0.00025%); highest among the groups gnomAD compares: African/African-American, 0.0014%; no homozygotes.

Submissions (2):

Labcorp Genetics (formerly Invitae), Labcorp
Classification: Uncertain significance for Bethlem myopathy 2; Ullrich congenital muscular dystrophy 2. Last evaluated: 2025-12-01. Review status: criteria provided, single submitter. Criteria: Invitae Variant Classification Sherloc (09022015). Collection method: clinical testing. Allele origin: germline.
Comment: This sequence change falls in intron 9 of the COL12A1 gene. It does not directly change the encoded amino acid sequence of the COL12A1 protein. It affects a nucleotide within the consensus splice site. This variant is not present in population databases (gnomAD no frequency). This variant has not been reported in the literature in individuals affected with COL12A1-related conditions. ClinVar contains an entry for this variant (Variation ID: 1055831). Variants that disrupt the consensus splice site are a relatively common cause of aberrant splicing (PMID: 17576681, 9536098). Algorithms developed to predict the effect of sequence changes on RNA splicing suggest that this variant is not likely to affect RNA splicing. In summary, the available evidence is currently insufficient to determine the role of this variant in disease. Therefore, it has been classified as a Variant of Uncertain Significance.

Women's Health and Genetics/Laboratory Corporation of America, LabCorp
Classification: Uncertain significance. Last evaluated: 2025-07-28. Review status: criteria provided, single submitter. Criteria: LabCorp Variant Classification Summary - May 2015. Collection method: clinical testing. Allele origin: germline.
Comment: Variant summary: COL12A1 c.1289-3C>T alters a nucleotide located close to a canonical splice site and therefore could affect mRNA splicing, leading to a significantly altered protein sequence. Consensus agreement among computation tools predict no significant impact on normal splicing. However, these predictions have yet to be confirmed by functional studies. The frequency data for this variant in gnomAD is considered unreliable, as metrics indicate poor data quality at this position. To our knowledge, no occurrence of c.1289-3C>T in individuals affected with Ullrich congenital muscular dystrophy 2 and no experimental evidence demonstrating its impact on protein function have been reported. ClinVar contains an entry for this variant (Variation ID: 1055831). Based on the evidence outlined above, the variant was classified as uncertain significance.

Literature cited by the submitters: PubMed 17576681 (cited by Labcorp Genetics (formerly Invitae), Labcorp); PubMed 9536098 (cited by Labcorp Genetics (formerly Invitae), Labcorp).

NM_004370.6(COL12A1):c.1289-3C>T

Gene: COL12A1 (collagen type XII alpha 1 chain; minus strand). Cytogenetic location: 6q13.
Variant type: single nucleotide variant.
Coding change: c.1289-3C>T on transcript NM_004370.6 (MANE Select); 3 bases into the intron before coding-DNA position 1289, C replaced by T.
Molecular consequence: intron variant.
Genome position (GRCh38, 1-based): chr6:75,183,655, G>A on the plus strand (C>T on the coding strand, the complement: COL12A1 is on the minus strand). VCF-style: chr6-75183655-G-A. GRCh37 (hg19) VCF-style: chr6-75893371-G-A.
Other names: c.73+19065C>T (NM_080645.3).
Identifiers: ClinVar variation 1055831 (VCV001055831.10), dbSNP rs375570066, ClinGen allele CA141030226.